The following is an entry in ClinVar:

ClinVar aggregate classification (germline): Uncertain significance (1 of 4 stars; one submission).

Allele frequency attached by ClinVar (database versions not stated): gnomAD 0.00001; TOPMed 0.00002.
gnomAD v4.1: 89 of 1,612,848 alleles (0.0055%); highest among the groups gnomAD compares: Non-Finnish European, 0.0074%; no homozygotes.

Submission:

Labcorp Genetics (formerly Invitae), Labcorp
Classification: Uncertain significance. Last evaluated: 2024-09-10. Review status: criteria provided, single submitter. Criteria: Invitae Variant Classification Sherloc (09022015). Collection method: clinical testing. Allele origin: germline.
Comment: This sequence change replaces glycine, which is neutral and non-polar, with valine, which is neutral and non-polar, at codon 1118 of the HIVEP2 protein (p.Gly1118Val). This variant is not present in population databases (gnomAD no frequency). This variant has not been reported in the literature in individuals affected with HIVEP2-related conditions. Invitae Evidence Modeling of protein sequence and biophysical properties (such as structural, functional, and spatial information, amino acid conservation, physicochemical variation, residue mobility, and thermodynamic stability) indicates that this missense variant is not expected to disrupt HIVEP2 protein function with a negative predictive value of 80%. In summary, the available evidence is currently insufficient to determine the role of this variant in disease. Therefore, it has been classified as a Variant of Uncertain Significance.

NM_006734.4(HIVEP2):c.3353G>T (p.Gly1118Val)

Gene: HIVEP2 (HIVEP zinc finger 2; minus strand). Cytogenetic location: 6q24.2.
Variant type: single nucleotide variant.
Coding change: c.3353G>T on transcript NM_006734.4 (MANE Select); coding-DNA position 3353, G replaced by T.
Protein change: p.Gly1118Val; replaces glycine 1118 with valine.
Molecular consequence: missense variant.
Genome position (GRCh38, 1-based): chr6:142,771,386, C>A on the plus strand (G>T on the coding strand, the complement: HIVEP2 is on the minus strand). VCF-style: chr6-142771386-C-A. GRCh37 (hg19) VCF-style: chr6-143092523-C-A.
Other names: short protein forms G1118V.
Identifiers: ClinVar variation 2725021 (VCV002725021.3), dbSNP rs1202534384, ClinGen allele CA365904373.